The following is an entry in ClinVar:

ClinVar aggregate classification (germline): Pathogenic. Review status: criteria provided, multiple submitters, no conflicts (2 of 4 stars). 2 submissions from 2 submitters: Pathogenic (2). Last evaluated 2024-08-05.

Conditions:
Hereditary cancer-predisposing syndrome. Also called: Tumor predisposition; Hereditary neoplastic syndrome; Neoplastic Syndromes, Hereditary; Hereditary Cancer Syndrome. Identifiers: Orphanet 140162, MedGen C0027672, MeSH D009386, MONDO:0015356.
Familial cancer of breast. Also called: Hereditary breast cancer; BREAST CANCER, FAMILIAL; hereditary breast carcinoma. Identifiers: Orphanet 227535, MedGen C0346153, MONDO:0016419, OMIM 114480. Disease mechanism: loss of function.

Submissions (2):

Ambry Genetics
Classification: Pathogenic for Hereditary cancer-predisposing syndrome. Last evaluated: 2024-08-05. Review status: criteria provided, single submitter. Criteria: Ambry Variant Classification Scheme 2023. Collection method: clinical testing. Allele origin: germline.
Comment: The c.1952_1955dupGAAG pathogenic mutation, located in coding exon 5 of the PALB2 gene, results from a duplication of GAAG at nucleotide position 1952, causing a translational frameshift with a predicted alternate stop codon (p.S652Rfs*12). This variant is considered to be rare based on population cohorts in the Genome Aggregation Database (gnomAD). This alteration is expected to result in loss of function by premature protein truncation or nonsense-mediated mRNA decay. As such, this alteration is interpreted as a disease-causing mutation.

Myriad Genetics, Inc.
Classification: Pathogenic for Familial cancer of breast. Last evaluated: 2023-09-12. Review status: criteria provided, single submitter. Criteria: Myriad Autosomal Dominant, Autosomal Recessive and X-Linked Classification Criteria (2023). Collection method: clinical testing. Allele origin: unknown.
Comment: This variant is considered pathogenic. This variant creates a frameshift predicted to result in premature protein truncation.

NM_024675.4(PALB2):c.1952_1955dup (p.Ser652fs)

Gene: PALB2 (partner and localizer of BRCA2; minus strand). Cytogenetic location: 16p12.2.
Variant type: Duplication.
Coding change: c.1952_1955dup on transcript NM_024675.4 (MANE Select); coding-DNA positions 1952 to 1955, 4 bases duplicated (GAAG; older notation c.1952_1955dupGAAG).
Protein change: p.Ser652fs; shifts the reading frame from serine 652.
Molecular consequence: frameshift variant. On other transcripts: intron variant (1).
Genome position (GRCh38, 1-based): chr16:23,630,199-23,630,202, CTTC duplicated on the plus strand (GAAG on the coding strand, the reverse complement: PALB2 is on the minus strand); duplicating any 4 consecutive bases within chr16:23,630,199-23,630,203 gives the same sequence; the c. name uses the placement nearest the transcript's 3' end. VCF-style (leftmost placement, unchanged base first): chr16-23630198-G-GCTTC. GRCh37 (hg19) VCF-style: chr16-23641519-G-GCTTC.
Other names: c.1892_1895dup, p.Ser632fs (NM_001407296.1); c.1952_1955dup, p.Ser652fs (NM_001407297.1, NM_001407298.1, NM_001407299.1 and 3 more transcripts); c.1067_1070dup, p.Ser357fs (NM_001407304.1, NM_001407305.1, NM_001407306.1 and 5 more transcripts); c.164_167dup, p.Ser56fs (NM_001407312.1, NM_001407313.1); c.49-927_49-924dup (NM_001407314.1); c.1952_1955dupGAAG (NM_024675.3); short protein forms S357fs, S56fs, S632fs, S652fs.
Identifiers: ClinVar variation 2674039 (VCV002674039.2), dbSNP rs2506429279, ClinGen allele CA2695197513.